The following is an entry in ClinVar:

ClinVar aggregate classification (germline): Uncertain significance (1 of 4 stars; one submission).

Submission:

Labcorp Genetics (formerly Invitae), Labcorp
Classification: Uncertain significance. Last evaluated: 2022-06-28. Review status: criteria provided, single submitter. Criteria: Invitae Variant Classification Sherloc (09022015). Collection method: clinical testing. Allele origin: germline.
Comment: This variant is not present in population databases (gnomAD no frequency). This sequence change replaces serine, which is neutral and polar, with proline, which is neutral and non-polar, at codon 383 of the MYO7A protein (p.Ser383Pro). In summary, the available evidence is currently insufficient to determine the role of this variant in disease. Therefore, it has been classified as a Variant of Uncertain Significance. Algorithms developed to predict the effect of missense changes on protein structure and function are either unavailable or do not agree on the potential impact of this missense change (SIFT: "Tolerated"; PolyPhen-2: "Possibly Damaging"; Align-GVGD: "Class C0"). This variant has not been reported in the literature in individuals affected with MYO7A-related conditions.

NM_000260.4(MYO7A):c.1147T>C (p.Ser383Pro)

Gene: MYO7A (myosin VIIA; plus strand). Cytogenetic location: 11q13.5.
Variant type: single nucleotide variant.
Coding change: c.1147T>C on transcript NM_000260.4 (MANE Select); coding-DNA position 1147, T replaced by C.
Protein change: p.Ser383Pro; replaces serine 383 with proline.
Molecular consequence: missense variant.
Genome position (GRCh38, 1-based): chr11:77,160,229, T>C. VCF-style: chr11-77160229-T-C. GRCh37 (hg19) VCF-style: chr11-76871275-T-C.
Other names: c.1147T>C, p.Ser383Pro (NM_001127180.2); c.1114T>C, p.Ser372Pro (NM_001369365.1); short protein forms S372P, S383P.
Identifiers: ClinVar variation 2011958 (VCV002011958.4), dbSNP rs2496826806, ClinGen allele CA381934478.